The following is an entry in ClinVar:

NM_000059.4(BRCA2):c.469_470del (p.Lys157fs)

Gene: BRCA2 (BRCA2 DNA repair associated; plus strand). Cytogenetic location: 13q13.1.
Variant type: Deletion.
Coding change: c.469_470del on transcript NM_000059.4 (MANE Select); coding-DNA positions 469 to 470, 2 bases deleted (AA; older notation c.469_470delAA).
Protein change: p.Lys157fs; shifts the reading frame from lysine 157.
Molecular consequence: frameshift variant.
Genome position (GRCh38, 1-based): chr13:32,326,144-32,326,145, AA deleted. VCF-style (leftmost placement, unchanged base first): chr13-32326143-TAA-T. GRCh37 (hg19) VCF-style: chr13-32900280-TAA-T.
Other names: 697delAA; c.469_470delAA (NM_000059.3).
Identifiers: ClinVar variation 51698 (VCV000051698.43), dbSNP rs397507739, ClinGen allele CA020654.

ClinVar aggregate classification (germline): Pathogenic. Review status: reviewed by expert panel (3 of 4 stars). 22 submissions from 22 submitters: Pathogenic (1). 21 of the submissions do not count toward it. Last evaluated 2016-09-08.

Conditions:
Familial cancer of breast. Also called: BREAST CANCER, FAMILIAL; Hereditary breast cancer; hereditary breast carcinoma. Identifiers: Orphanet 227535, MedGen C0346153, MONDO:0016419, OMIM 114480. Disease mechanism: loss of function.
Hereditary breast ovarian cancer syndrome. Also called: Hereditary breast and ovarian cancer syndrome; Hereditary breast and ovarian cancer; Hereditary breast and ovarian cancer syndrome (HBOC); Breast and ovarian cancer; Hereditary breast and/or ovarian cancer syndrome; BRCA1- and BRCA2-Associated Hereditary Breast and Ovarian Cancer. Identifiers: Orphanet 145, MedGen C0677776, MeSH D061325, MONDO:0003582. Disease mechanism: loss of function.
BRCA2-related disorder. Also called: BRCA2-related condition; BRCA2-related disorders. Identifiers: MedGen CN239275.
Hereditary cancer-predisposing syndrome. Also called: Neoplastic Syndromes, Hereditary; Tumor predisposition; Hereditary neoplastic syndrome; Hereditary Cancer Syndrome. Identifiers: Orphanet 140162, MedGen C0027672, MeSH D009386, MONDO:0015356.
BRCA2-related cancer predisposition. Identifiers: MedGen CN377758, MONDO:0700269.
Breast-ovarian cancer, familial, susceptibility to, 2 (BROVCA2). Also called: BRCA2 Hereditary Breast and Ovarian Cancer. Identifiers: Orphanet 145, MedGen C2675520, MONDO:0012933, OMIM 612555. Disease mechanism: loss of function.

Allele frequency attached by ClinVar (database versions not stated): gnomAD exomes below 0.00001.

Submissions 1 to 10 of 22:

Evidence-based Network for the Interpretation of Germline Mutant Alleles (ENIGMA)
Classification: Pathogenic for Breast-ovarian cancer, familial, susceptibility to, 2. Last evaluated: 2016-09-08. Review status: reviewed by expert panel. Criteria: ENIGMA BRCA1/2 Classification Criteria (2015). Collection method: curation. Allele origin: germline.
Comment: Variant allele predicted to encode a truncated non-functional protein.

German Consortium for Hereditary Breast and Ovarian Cancer, University Hospital Cologne
Classification: Pathogenic for Hereditary breast ovarian cancer syndrome. Last evaluated: 2025-06-10. Review status: criteria provided, single submitter. Criteria: ClinGen BRCA2 V1.1.0. Collection method: curation. Allele origin: germline. Not counted in ClinVar's aggregate classification.
Comment: According to the ClinGen ENIGMA BRCA2 v1.1.0 criteria we chose these criteria: PVS1 (very strong pathogenic): ClinGen table 4, PM2 (supporting pathogenic): absent in v2 and v3, PM5 (strong pathogenic): ClinGen table 4

Ambry Genetics
Classification: Pathogenic for Hereditary cancer-predisposing syndrome. Last evaluated: 2025-05-07. Review status: criteria provided, single submitter. Criteria: Ambry Variant Classification Scheme 2023. Collection method: clinical testing. Allele origin: germline. Not counted in ClinVar's aggregate classification.
Comment: The c.469_470delAA (p.K157Vfs*25) alteration, located in exon 5 (coding exon 4) of the BRCA2 gene, consists of a deletion of 2 nucleotides from position 469 to 470, causing a translational frameshift with a predicted alternate stop codon after 25 amino acids. This alteration is expected to result in loss of function by premature protein truncation or nonsense-mediated mRNA decay. This variant was not reported in population-based cohorts in the Genome Aggregation Database (gnomAD). This alteration has been reported in multiple individuals and families with a history of breast, ovarian, and/or prostate cancer (Borg, 2010; Adem, 2003; van Harssel, 2010; Nielsen, 2016; Hart, 2016). Of note, this alteration is also designated as 697delAA in the published literature. Based on the available evidence, this alteration is classified as pathogenic.

Center for Genomic Medicine, Rigshospitalet, Copenhagen University Hospital
Classification: Pathogenic. Last evaluated: 2025-03-04. Review status: criteria provided, single submitter. Criteria: ACMG Guidelines, 2015. Collection method: clinical testing. Allele origin: germline. Not counted in ClinVar's aggregate classification.

Labcorp Genetics (formerly Invitae), Labcorp
Classification: Pathogenic for Hereditary breast ovarian cancer syndrome. Last evaluated: 2024-10-29. Review status: criteria provided, single submitter. Criteria: Invitae Variant Classification Sherloc (09022015). Collection method: clinical testing. Allele origin: germline. Not counted in ClinVar's aggregate classification.
Comment: This sequence change creates a premature translational stop signal (p.Lys157Valfs*25) in the BRCA2 gene. It is expected to result in an absent or disrupted protein product. Loss-of-function variants in BRCA2 are known to be pathogenic (PMID: 20104584). This variant is not present in population databases (gnomAD no frequency). This variant has not been reported in the literature in individuals affected with BRCA2-related conditions. This variant is also known as 697delAA. ClinVar contains an entry for this variant (Variation ID: 51698). For these reasons, this variant has been classified as Pathogenic.

All of Us Research Program, National Institutes of Health
Classification: Pathogenic for BRCA2-related cancer predisposition. Last evaluated: 2024-09-12. Review status: criteria provided, single submitter. Criteria: ACMG Guidelines, 2015. Collection method: clinical testing. Allele origin: germline. Inheritance: Autosomal dominant inheritance. Observed: 1 variant allele, 1 heterozygote. Not counted in ClinVar's aggregate classification.
Comment: The c.469_470del (p.Lys157Valfs*25) variant in the BRCA2 gene is located on the exon 5 and is predicted to result in a frameshift that introduces a premature translation termination codon, resulting in an absent or disrupted protein product. The variant has been reported in individuals with breast/ovarian/prostate cancer (PMID: 27084275, 21553119, 20104584, 32566972). The other protein termination codon variants located in the same exon (p.Gln147*, p.Ser158*) have been interpreted as pathogenic by the expert panel (ClinVar ID: 51641, 266829). Loss-of-function variants in the BRCA2 gene are known to cause hereditary breast and ovarian cancer (PMID: 8988179, 11897832, 29446198). This variant has been reported as pathogenic by the expert panel in ClinVar (ID: 51698). The variant is rare (3/1609132 chromosomes) in the general population according to gnomAD. Therefore, the c.469_470del (p.Lys157Valfs*25) variant in the BRCA2 gene has been classified as pathogenic.

This study involves interpretation of variants in research participants for the purpose of population health screening. Participant phenotype was not available at the time of variant classification. Additional details can be found in publication PMID: 35346344, PMCID: PMC8962531

Quest Diagnostics Nichols Institute San Juan Capistrano
Classification: Pathogenic. Last evaluated: 2024-08-20. Review status: criteria provided, single submitter. Criteria: Quest Diagnostics criteria. Collection method: clinical testing. Allele origin: unknown. Not counted in ClinVar's aggregate classification.
Comment: The BRCA2 c.469_470del (p.Lys157Valfs*25) variant alters the translational reading frame of the BRCA2 mRNA and causes the premature termination of BRCA2 protein synthesis. This variant has been reported in the published literature in individuals affected with prostate (PMID: 27084275 (2016)) and breast and/or ovarian cancer (PMID: 29566657 (2018), 21553119 (2012)). This variant has not been reported in large, multi-ethnic general populations (Genome Aggregation Database). Based on the available information, this variant is classified as pathogenic.

Color Diagnostics, LLC DBA Color Health
Classification: Pathogenic for Hereditary cancer-predisposing syndrome. Last evaluated: 2024-07-16. Review status: criteria provided, single submitter. Criteria: ACMG Guidelines, 2015. Collection method: clinical testing. Allele origin: germline. Not counted in ClinVar's aggregate classification.
Comment: This variant deletes 2 nucleotides in exon 5 of the BRCA2 gene, creating a frameshift and premature translation stop signal. This variant is expected to result in an absent or non-functional protein product. This variant has been reported in individuals with a personal or family history of breast, ovarian, and prostate cancer (PMID: 19949876, 20104584, 21553119, 27084275, 29339979, 29446198, 29566657; DOI: 10.1055/s-0042-1757060). This variant has not been identified in the general population by the Genome Aggregation Database (gnomAD). Loss of BRCA2 function is a known mechanism of disease. Based on the available evidence, this variant is classified as Pathogenic.

Department of Clinical Genetics, Copenhagen University Hospital, Rigshospitalet
Classification: Pathogenic for Breast-ovarian cancer, familial, susceptibility to, 2. Last evaluated: 2024-05-27. Review status: criteria provided, single submitter. Criteria: ACMG Guidelines, 2015. Collection method: clinical testing. Allele origin: germline. Affected: yes. Not counted in ClinVar's aggregate classification.
Comment: PVS1; PM2_supporting; PM5_PTC_Strong

GeneDx
Classification: Pathogenic. Last evaluated: 2022-12-01. Review status: criteria provided, single submitter. Criteria: GeneDx Variant Classification Process June 2021. Collection method: clinical testing. Allele origin: germline. Affected: yes. Not counted in ClinVar's aggregate classification.
Comment: Frameshift variant predicted to result in protein truncation or nonsense mediated decay in a gene for which loss-of-function is a known mechanism of disease; Not observed at significant frequency in large population cohorts (gnomAD); Truncating variants in this gene are considered pathogenic by a well-established clinical consortium and/or database; Also known as 697_698delAA; This variant is associated with the following publications: (PMID: 20104584, 12491499, 27084275, 29339979, 29566657, 29446198, 26833046, 32665702, 21553119, 19949876)